The following is an entry in ClinVar:

NM_000321.3(RB1):c.-106T>C

Gene: RB1 (RB transcriptional corepressor 1; plus strand). Cytogenetic location: 13q14.2.
Variant type: single nucleotide variant.
Coding change: c.-106T>C on transcript NM_000321.3 (MANE Select); 106 bases upstream of the start codon, T replaced by C.
Molecular consequence: 5 prime UTR variant.
Genome position (GRCh38, 1-based): chr13:48,303,807, T>C. VCF-style: chr13-48303807-T-C. GRCh37 (hg19) VCF-style: chr13-48877943-T-C.
Other names: c.-106T>C (NM_001407165.1, NM_001407166.1, NM_001407167.1).
Identifiers: ClinVar variation 3684727 (VCV003684727.2).
Genomic context (GRCh38, chr13:48,303,807, plus strand): 5'-GCTCAGTTGCCGGGCGGGGGAGGGCGCGTCCGGTTTTTCTCAGGGGACGTTGAAATTATT[T>C]TTGTAACGGGAGTCGGGAGAGGACGGGGCGTGCCCCGACGTGCGCGCGCGTCGTCCTCCC-3'

ClinVar aggregate classification (germline): Uncertain significance (1 of 4 stars; one submission).

Conditions:
Retinoblastoma (RB1). Also called: RETINOBLASTOMA, SOMATIC. Identifiers: Orphanet 790, MedGen C0035335, MeSH D012175, MONDO:0008380, OMIM 180200, HP:0009919. Disease mechanism: loss of function. Inheritance: Both sporadic and heritable forms are tested..

Submission:

Labcorp Genetics (formerly Invitae), Labcorp
Classification: Uncertain significance for Retinoblastoma. Last evaluated: 2024-12-26. Review status: criteria provided, single submitter. Criteria: Invitae Variant Classification Sherloc (09022015). Collection method: clinical testing. Allele origin: germline.
Comment: This variant occurs in a non-coding region of the RB1 gene. It does not change the encoded amino acid sequence of the RB1 protein. This variant is not present in population databases (gnomAD no frequency). This variant has not been reported in the literature in individuals affected with RB1-related conditions. In summary, the available evidence is currently insufficient to determine the role of this variant in disease. Therefore, it has been classified as a Variant of Uncertain Significance.